The following is an entry in ClinVar:

ClinVar aggregate classification (germline): other (0 of 4 stars; one submission).

Conditions:
Familial colorectal cancer. Identifiers: MedGen CN280943, MONDO:0023113. Disease mechanism: loss of function.

Submission:

Systems Biology Platform Zhejiang California International NanoSystems Institute
Classification: other for Familial colorectal cancer. Review status: no assertion criteria provided. Collection method: not provided. Allele origin: unknown.
ClinVar note: Converted during submission from cancer to other.

NM_000038.6(APC):c.646-3193C>A

Gene: APC (APC regulator of WNT signaling pathway; plus strand). Cytogenetic location: 5q22.2.
Variant type: single nucleotide variant.
Coding change: c.646-3193C>A on transcript NM_000038.6 (MANE Select); 3193 bases into the intron before coding-DNA position 646, C replaced by A.
Molecular consequence: intron variant.
Genome position (GRCh38, 1-based): chr5:112,789,253, C>A. VCF-style: chr5-112789253-C-A. GRCh37 (hg19) VCF-style: chr5-112124950-C-A.
Other names: c.646-3193C>A (NM_001354895.2, NM_001127510.3, NM_001354896.2 and 1 more transcripts); c.676-3193C>A (NM_001354897.2, NM_001354902.2); c.675+8350C>A (NM_001127511.3); c.571-3193C>A (NM_001354898.2, NM_001354904.2); c.-390-3193C>A (NM_001354906.2); c.645+8350C>A (NM_001354899.2); c.469-3193C>A (NM_001354900.2, NM_001354901.2, NM_001354905.2).
Identifiers: ClinVar variation 82469 (VCV000082469.2), dbSNP rs76711494, ClinGen allele CA011833.
Genomic context (GRCh38, chr5:112,789,253, plus strand): 5'-TAACTTCACAAATATTCTTGTCATATAGAAAAAGGAAAGAAATACTTAGTGGTTAAGCAT[C>A]CTAATCCAAAAATCCAAATTGTGAAGTGCTGCAGTGAGCATTTCCTTTGAGCACCATGTG-3'